The following is an entry in ClinVar:

NM_015512.5(DNAH1):c.7127G>A (p.Arg2376His)

Gene: DNAH1 (dynein axonemal heavy chain 1; plus strand). Cytogenetic location: 3p21.1.
Variant type: single nucleotide variant.
Coding change: c.7127G>A on transcript NM_015512.5 (MANE Select); coding-DNA position 7127, G replaced by A.
Protein change: p.Arg2376His; replaces arginine 2376 with histidine.
Molecular consequence: missense variant.
Genome position (GRCh38, 1-based): chr3:52,375,381, G>A. VCF-style: chr3-52375381-G-A. GRCh37 (hg19) VCF-style: chr3-52409397-G-A.
Other names: short protein forms R2376H.
Identifiers: ClinVar variation 3083405 (VCV003083405.2), dbSNP rs1218859728, ClinGen allele CA353171840.

ClinVar aggregate classification (germline): Uncertain significance. Review status: criteria provided, multiple submitters, no conflicts (2 of 4 stars). 2 submissions from 2 submitters: Uncertain significance (2). Last evaluated 2026-01-22.

Conditions:
Spermatogenic failure 18. Identifiers: MedGen C4539783, MONDO:0054615, OMIM 617576.
Ciliary dyskinesia, primary, 37 (CILD37). Also called: CILIARY DYSKINESIA, PRIMARY, 37, WITH OR WITHOUT SITUS INVERSUS. Identifiers: MedGen C4539798, MONDO:0033204, OMIM 617577.

Allele frequency attached by ClinVar (database versions not stated): gnomAD 0.00002; TOPMed 0.00002.
gnomAD v4.1: 42 of 1,613,416 alleles (0.0026%); highest among the groups gnomAD compares: Non-Finnish European, 0.0031%; no homozygotes.

Submissions (2):

Labcorp Genetics (formerly Invitae), Labcorp
Classification: Uncertain significance for Ciliary dyskinesia, primary, 37; Spermatogenic failure 18. Last evaluated: 2026-01-22. Review status: criteria provided, single submitter. Criteria: Invitae Variant Classification Sherloc (09022015). Collection method: clinical testing. Allele origin: germline.
Comment: This sequence change replaces arginine, which is basic and polar, with histidine, which is basic and polar, at codon 2376 of the DNAH1 protein (p.Arg2376His). This variant is present in population databases (no rsID available, gnomAD 0.003%). This variant has not been reported in the literature in individuals affected with DNAH1-related conditions. ClinVar contains an entry for this variant (Variation ID: 3083405). Invitae Evidence Modeling of protein sequence and biophysical properties (such as structural, functional, and spatial information, amino acid conservation, physicochemical variation, residue mobility, and thermodynamic stability) indicates that this missense variant is not expected to disrupt DNAH1 protein function with a negative predictive value of 80%. In summary, the available evidence is currently insufficient to determine the role of this variant in disease. Therefore, it has been classified as a Variant of Uncertain Significance.

Ambry Genetics
Classification: Uncertain significance. Last evaluated: 2023-10-10. Review status: criteria provided, single submitter. Criteria: Ambry Variant Classification Scheme 2023. Collection method: clinical testing. Allele origin: germline.